The following is an entry in ClinVar:

ClinVar aggregate classification (germline): Uncertain significance (1 of 4 stars; one submission).

Allele frequency attached by ClinVar (database versions not stated): gnomAD 0.00002; gnomAD exomes 0.00002.
gnomAD v4.1: 13 of 1,600,018 alleles (0.00081%); highest among the groups gnomAD compares: Middle Eastern, 0.016%; no homozygotes.

Submission:

Labcorp Genetics (formerly Invitae), Labcorp
Classification: Uncertain significance. Last evaluated: 2022-09-12. Review status: criteria provided, single submitter. Criteria: Invitae Variant Classification Sherloc (09022015). Collection method: clinical testing. Allele origin: germline.
Comment: In summary, the available evidence is currently insufficient to determine the role of this variant in disease. Therefore, it has been classified as a Variant of Uncertain Significance. Algorithms developed to predict the effect of sequence changes on RNA splicing suggest that this variant may create or strengthen a splice site. This variant has not been reported in the literature in individuals affected with DOCK6-related conditions. This variant is present in population databases (no rsID available, gnomAD 0.003%). This sequence change falls in intron 2 of the DOCK6 gene. It does not directly change the encoded amino acid sequence of the DOCK6 protein.

NM_020812.4(DOCK6):c.133-6A>G

Gene: DOCK6 (dedicator of cytokinesis 6; minus strand). Cytogenetic location: 19p13.2.
Variant type: single nucleotide variant.
Coding change: c.133-6A>G on transcript NM_020812.4 (MANE Select); 6 bases into the intron before coding-DNA position 133, A replaced by G.
Molecular consequence: intron variant.
Genome position (GRCh38, 1-based): chr19:11,252,964, T>C on the plus strand (A>G on the coding strand, the complement: DOCK6 is on the minus strand). VCF-style: chr19-11252964-T-C. GRCh37 (hg19) VCF-style: chr19-11363640-T-C.
Other names: c.133-6A>G (NM_001367830.1).
Identifiers: ClinVar variation 2192083 (VCV002192083.4), dbSNP rs1339406947, ClinGen allele CA632116349.